The following is an entry in ClinVar:

NM_000260.4(MYO7A):c.4667_4668delinsTA (p.Pro1556Leu)

Gene: MYO7A (myosin VIIA; plus strand). Cytogenetic location: 11q13.5.
Variant type: Indel.
Coding change: c.4667_4668delinsTA on transcript NM_000260.4 (MANE Select); coding-DNA positions 4667 to 4668, CG replaced by TA.
Protein change: p.Pro1556Leu; replaces proline 1556 with leucine.
Molecular consequence: missense variant. On other transcripts: intron variant (2).
Genome position (GRCh38, 1-based): chr11:77,199,633-77,199,634, CG replaced by TA. VCF-style: chr11-77199633-CG-TA. GRCh37 (hg19) VCF-style: chr11-76910678-CG-TA.
Other names: c.4536-16_4536-15delinsTA (NM_001369365.1); c.4569-16_4569-15delinsTA (NM_001127180.2); short protein forms P1556L.
Identifiers: ClinVar variation 833902 (VCV000833902.10), dbSNP rs1956921681, ClinGen allele CA916083263.

ClinVar aggregate classification (germline): Likely benign. Review status: criteria provided, single submitter (1 of 4 stars). 2 submissions from 2 submitters: Likely benign (1). 1 of the submissions does not count toward it. Last evaluated 2026-01-31.

Conditions:
MYO7A-related disorder. Also called: MYO7A-related disorders.

Submissions (2):

Labcorp Genetics (formerly Invitae), Labcorp
Classification: Likely benign. Last evaluated: 2026-01-31. Review status: criteria provided, single submitter. Criteria: Invitae Variant Classification Sherloc (09022015). Collection method: clinical testing. Allele origin: germline.

PreventionGenetics, part of Exact Sciences
Classification: Uncertain significance for MYO7A-related condition. Last evaluated: 2024-08-19. Review status: no assertion criteria provided. Collection method: clinical testing. Allele origin: germline. Not counted in ClinVar's aggregate classification.
Comment: The MYO7A c.4667_4668delinsTA variant is predicted to result in an in-frame deletion and insertion. To our knowledge, this variant has not been reported in the literature or in a large population database, indicating this variant is rare. At this time, the clinical significance of this variant is uncertain due to the absence of conclusive functional and genetic evidence.